The following is an entry in ClinVar:

ClinVar aggregate classification (germline): Benign/Likely benign. Review status: criteria provided, multiple submitters, no conflicts (2 of 4 stars). 9 submissions from 9 submitters: Benign (6); Likely benign (2). 1 of the submissions does not count toward it. Last evaluated 2026-01-28.

Conditions:
KCNA1-related disorder. Also called: KCNA1-related condition; KCNA1-related disorders.
Episodic ataxia type 1 (EA1). Also called: ATAXIA, EPISODIC, WITH MYOKYMIA; MYOKYMIA WITH PERIODIC ATAXIA; PAROXYSMAL ATAXIA WITH NEUROMYOTONIA, HEREDITARY; Episodic ataxia/myokymia syndrome. Identifiers: Orphanet 37612, Orphanet 972, MedGen C1719788, MONDO:0008047, OMIM 160120.

Allele frequency attached by ClinVar (database versions not stated): gnomAD exomes 0.00076; ExAC 0.00094; gnomAD 0.00270 and 0.00280; ESP Exome Variant Server 0.00308; TOPMed 0.00311; 1000 Genomes Project 0.00519; 1000 Genomes Project 30x 0.00531.
gnomAD v4.1: 773 of 1,614,160 alleles (0.048%); highest among the groups gnomAD compares: African/African-American, 0.92%; 8 homozygotes.

Submissions (9):

Labcorp Genetics (formerly Invitae), Labcorp
Classification: Benign for Episodic ataxia type 1. Last evaluated: 2026-01-28. Review status: criteria provided, single submitter. Criteria: Invitae Variant Classification Sherloc (09022015). Collection method: clinical testing. Allele origin: germline.

CeGaT Center for Human Genetics Tuebingen
Classification: Likely benign. Last evaluated: 2025-08-01. Review status: criteria provided, single submitter. Criteria: CeGaT Center For Human Genetics Tuebingen Variant Classification Criteria Version 2. Collection method: clinical testing. Allele origin: germline. Affected: yes. Observed: 4 variant alleles.
Comment: KCNA1: BP4, BP7

Athena Diagnostics
Classification: Benign. Last evaluated: 2024-12-17. Review status: criteria provided, single submitter. Criteria: Athena Diagnostics Criteria. Collection method: clinical testing. Allele origin: unknown.
Comment: The frequency of this variant in the general population is higher than would generally be expected for pathogenic variants in this gene. Computational tools yielded predictions that this variant is unlikely to have an effect on normal RNA splicing.

Blueprint Genetics
Classification: Likely benign. Last evaluated: 2024-09-11. Review status: criteria provided, single submitter. Criteria: ACMG Guidelines, 2015. Collection method: clinical testing. Allele origin: germline.

Mayo Clinic Laboratories, Mayo Clinic
Classification: Benign. Last evaluated: 2023-07-10. Review status: criteria provided, single submitter. Criteria: ACMG Guidelines, 2015. Collection method: clinical testing. Allele origin: germline. Observed: 6 variant alleles.
Comment: BS1, BS2, BP4, BP7

Fulgent Genetics
Classification: Benign for Episodic ataxia type 1. Last evaluated: 2021-07-21. Review status: criteria provided, single submitter. Criteria: ACMG Guidelines, 2015. Collection method: clinical testing. Allele origin: unknown.

Illumina Laboratory Services, Illumina
Classification: Benign for Episodic ataxia type 1. Last evaluated: 2018-01-13. Review status: criteria provided, single submitter. Criteria: ICSL Variant Classification Criteria 13 December 2019. Collection method: clinical testing. Allele origin: germline.
Comment: This variant was observed in the ICSL laboratory as part of a predisposition screen in an ostensibly healthy population. It had not been previously curated by ICSL or reported in the Human Gene Mutation Database (HGMD: prior to June 1st, 2018), and was therefore a candidate for classification through an automated scoring system. Utilizing variant allele frequency, disease prevalence and penetrance estimates, and inheritance mode, an automated score was calculated to assess if this variant is too frequent to cause the disease. Based on the score and internal cut-off values, a variant classified as benign is not then subjected to further curation. The score for this variant resulted in a classification of benign for this disease.

Eurofins Ntd Llc (ga)
Classification: Benign. Last evaluated: 2014-07-29. Review status: criteria provided, single submitter. Criteria: EGL Classification Definitions 2015. Collection method: clinical testing. Allele origin: germline. Observed: 1 variant allele, 1 heterozygote.

PreventionGenetics, part of Exact Sciences
Classification: Benign for KCNA1-related condition. Last evaluated: 2024-08-22. Review status: no assertion criteria provided. Collection method: clinical testing. Allele origin: germline. Not counted in ClinVar's aggregate classification.
Comment: This variant is classified as benign based on ACMG/AMP sequence variant interpretation guidelines (Richards et al. 2015 PMID: 25741868, with internal and published modifications).

Literature cited by the submitters: PubMed 37543594 (cited by Athena Diagnostics).

NM_000217.3(KCNA1):c.237G>A (p.Glu79=)

Gene: KCNA1 (potassium voltage-gated channel subfamily A member 1; plus strand). Cytogenetic location: 12p13.32.
Variant type: single nucleotide variant.
Coding change: c.237G>A on transcript NM_000217.3 (MANE Select); coding-DNA position 237, G replaced by A.
Protein change: p.Glu79=; no amino-acid change (glutamic acid 79 retained).
Molecular consequence: synonymous variant.
Genome position (GRCh38, 1-based): chr12:4,911,615, G>A. VCF-style: chr12-4911615-G-A. GRCh37 (hg19) VCF-style: chr12-5020781-G-A.
Other names: p.Glu79=.
Identifiers: ClinVar variation 195044 (VCV000195044.49), dbSNP rs149110871, ClinGen allele CA201512.